The following is an entry in ClinVar:

ClinVar aggregate classification (germline): Likely pathogenic (1 of 4 stars; one submission).

Conditions:
Pulmonary venoocclusive disease 1 (PVOD1). Also called: Pulmonary venoocclusive disease 1, autosomal dominant. Identifiers: Orphanet 31837, MedGen C3887658, MONDO:0020713, OMIM 265450.

Submission:

Laboratory for Molecular Medicine, Mass General Brigham Personalized Medicine
Classification: Likely pathogenic for Pulmonary venoocclusive disease. Last evaluated: 2018-08-14. Review status: criteria provided, single submitter. Criteria: LMM Criteria. Collection method: clinical testing. Allele origin: germline. Inheritance: Autosomal recessive inheritance. Observed: 1 variant allele.
Comment: The p.Ile1533LeufsX2 variant in EIF2AK4 has not been reported in individuals wit h pulmonary veno-occlusive disease, but has been identified in 1/15012 European chromosomes by the Genome Aggregation Database (gnomAD). This variant is predicted to cause a frameshift, which alters the pro tein?s amino acid sequence beginning at position 1533 and leads to a premature t ermination codon 2 amino acids downstream. This alteration is then predicted to lead to a truncated or absent protein. Loss of function of the EIF2AK4 gene is strongly associated with autosomal recessive pulmonary veno-occlusive disease. I n summary, although additional studies are required to fully establish its clini cal significance, this variant is likely pathogenic. ACMG/AMP Criteria applied: PVS1_Strong; PM2.

NM_001013703.4(EIF2AK4):c.4593del (p.Ile1533fs)

Gene: EIF2AK4 (eukaryotic translation initiation factor 2 alpha kinase 4; plus strand). Cytogenetic location: 15q15.1.
Variant type: Deletion.
Coding change: c.4593del on transcript NM_001013703.4 (MANE Select); coding-DNA position 4593, one base deleted (T; older notation c.4593delT).
Protein change: p.Ile1533fs; shifts the reading frame from isoleucine 1533.
Molecular consequence: frameshift variant.
Genome position (GRCh38, 1-based): chr15:40,030,390, T deleted; the last of 2 consecutive T bases (chr15:40,030,389-40,030,390); deleting either gives the same sequence. VCF-style (leftmost placement, unchanged base first): chr15-40030388-GT-G. GRCh37 (hg19) VCF-style: chr15-40322589-GT-G.
Other names: short protein forms I1533fs.
Identifiers: ClinVar variation 667371 (VCV000667371.4), dbSNP rs1327297003, ClinGen allele CA617213346.